The following is an entry in ClinVar:

ClinVar aggregate classification (germline): Uncertain significance. Review status: criteria provided, multiple submitters, no conflicts (2 of 4 stars). 2 submissions from 2 submitters: Uncertain significance (2). Last evaluated 2026-05-11.

Conditions:
PKHD1L1-related disorder. Also called: PKHD1L1-related condition.

Allele frequency attached by ClinVar (database versions not stated): gnomAD exomes 0.00002; ExAC 0.00009; 1000 Genomes Project 0.00020; gnomAD 0.00021; TOPMed 0.00026; 1000 Genomes Project 30x 0.00031.
gnomAD v4.1: 60 of 1,611,660 alleles (0.0037%); highest among the groups gnomAD compares: African/African-American, 0.068%; no homozygotes.

Submissions (2):

PreventionGenetics, part of Exact Sciences
Classification: Uncertain significance for PKHD1L1-related condition. Last evaluated: 2026-05-11. Review status: criteria provided, single submitter. Criteria: ACMG Guidelines, 2015. Collection method: clinical testing. Allele origin: germline.
Comment: The PKHD1L1 c.7195A>G variant is predicted to result in the amino acid substitution p.Asn2399Asp. To our knowledge, this variant has not been reported in the literature. This variant is reported in 0.066% of alleles in individuals of African descent in gnomAD. Although we suspect that this variant may be benign, at this time, the clinical significance of this variant is uncertain due to the absence of conclusive functional and genetic evidence.

Ambry Genetics
Classification: Uncertain significance. Last evaluated: 2021-08-10. Review status: criteria provided, single submitter. Criteria: Ambry Variant Classification Scheme 2023. Collection method: clinical testing. Allele origin: germline.

NM_177531.6(PKHD1L1):c.7195A>G (p.Asn2399Asp)

Gene: PKHD1L1 (PKHD1 like 1; plus strand). Cytogenetic location: 8q23.1.
Variant type: single nucleotide variant.
Coding change: c.7195A>G on transcript NM_177531.6 (MANE Select); coding-DNA position 7195, A replaced by G.
Protein change: p.Asn2399Asp; replaces asparagine 2399 with aspartic acid.
Molecular consequence: missense variant.
Genome position (GRCh38, 1-based): chr8:109,459,785, A>G. VCF-style: chr8-109459785-A-G. GRCh37 (hg19) VCF-style: chr8-110472014-A-G.
Other names: short protein forms N2399D.
Identifiers: ClinVar variation 2326969 (VCV002326969.3), dbSNP rs199650934, ClinGen allele CA4845723.